The following is an entry in ClinVar:

NM_206933.4(USH2A):c.11416G>T (p.Glu3806Ter)

Gene: USH2A (usherin; minus strand). Cytogenetic location: 1q41.
Variant type: single nucleotide variant.
Coding change: c.11416G>T on transcript NM_206933.4 (MANE Select); coding-DNA position 11416, G replaced by T.
Protein change: p.Glu3806Ter; replaces glutamic acid 3806 with a stop codon.
Molecular consequence: nonsense.
Genome position (GRCh38, 1-based): chr1:215,743,309, C>A on the plus strand (G>T on the coding strand, the complement: USH2A is on the minus strand). VCF-style: chr1-215743309-C-A. GRCh37 (hg19) VCF-style: chr1-215916651-C-A.
Other names: short protein forms E3806*.
Identifiers: ClinVar variation 2734077 (VCV002734077.3), dbSNP rs2465070247, ClinGen allele CA344835524.
Genomic context (GRCh38, chr1:215,743,309, plus strand): 5'-GATGACCAACGGAGAAGGCCAGAGGTGTTACACTTCCATCATTGAGTAAGACATTGTACT[C>A]CACAGGAATTTCGGGGATGAGGATCCCTTTAAAGAGAGAGAGAGAGAGAGAACATTAAAA-3'

ClinVar aggregate classification (germline): Pathogenic (1 of 4 stars; one submission).

Submission:

Labcorp Genetics (formerly Invitae), Labcorp
Classification: Pathogenic. Last evaluated: 2023-11-20. Review status: criteria provided, single submitter. Criteria: Invitae Variant Classification Sherloc (09022015). Collection method: clinical testing. Allele origin: germline.
Comment: This sequence change creates a premature translational stop signal (p.Glu3806*) in the USH2A gene. It is expected to result in an absent or disrupted protein product. Loss-of-function variants in USH2A are known to be pathogenic (PMID: 10729113, 10909849, 20507924, 25649381). This variant is not present in population databases (gnomAD no frequency). This premature translational stop signal has been observed in individual(s) with Usher syndrome type II (PMID: 18273898, 27957503). Algorithms developed to predict the effect of sequence changes on RNA splicing suggest that this variant may disrupt the consensus splice site. For these reasons, this variant has been classified as Pathogenic.

Literature cited by the submitters: PubMed 10729113; PubMed 10909849; PubMed 20507924; PubMed 25649381; PubMed 18273898; PubMed 27957503.